The following is an entry in ClinVar:

NM_002691.4(POLD1):c.1323G>A (p.Thr441=)

Gene: POLD1 (DNA polymerase delta 1, catalytic subunit; plus strand). Cytogenetic location: 19q13.33.
Variant type: single nucleotide variant.
Coding change: c.1323G>A on transcript NM_002691.4 (MANE Select); coding-DNA position 1323, G replaced by A.
Protein change: p.Thr441=; no amino-acid change (threonine 441 retained).
Molecular consequence: synonymous variant. On other transcripts: non-coding transcript variant (1).
Genome position (GRCh38, 1-based): chr19:50,406,262, G>A. VCF-style: chr19-50406262-G-A. GRCh37 (hg19) VCF-style: chr19-50909519-G-A.
Other names: c.1323G>A, p.Thr441= (NM_001256849.1, NM_001308632.1).
Identifiers: ClinVar variation 484334 (VCV000484334.20), dbSNP rs768901366, ClinGen allele CA508304694.

ClinVar aggregate classification (germline): Benign/Likely benign. Review status: criteria provided, multiple submitters, no conflicts (2 of 4 stars). 5 submissions from 5 submitters: Benign (1); Likely benign (4). Last evaluated 2026-06-01.

Conditions:
Hereditary cancer-predisposing syndrome. Also called: Hereditary neoplastic syndrome; Tumor predisposition; Neoplastic Syndromes, Hereditary; Hereditary Cancer Syndrome. Identifiers: Orphanet 140162, MedGen C0027672, MeSH D009386, MONDO:0015356.
POLD1-related polyposis and colorectal cancer syndrome (CRCS10). Also called: Colorectal cancer, susceptibility to, 10; Colorectal cancer 10; COLORECTAL CANCER, SUSCEPTIBILITY TO, ON CHROMOSOME 19q. Identifiers: Orphanet 220460, MedGen C2675481, MONDO:0012953, OMIM 612591.

Allele frequency attached by ClinVar (database versions not stated): TOPMed 0.00003.
gnomAD v4.1: 30 of 1,613,878 alleles (0.0019%); highest among the groups gnomAD compares: Non-Finnish European, 0.0025%; no homozygotes.

Submissions (5):

CeGaT Center for Human Genetics Tuebingen
Classification: Likely benign. Last evaluated: 2026-06-01. Review status: criteria provided, single submitter. Criteria: CeGaT Center For Human Genetics Tuebingen Variant Classification Criteria Version 2. Collection method: clinical testing. Allele origin: germline. Affected: yes. Observed: 1 variant allele.
Comment: POLD1: BP4, BP7

Labcorp Genetics (formerly Invitae), Labcorp
Classification: Likely benign for POLD1-related polyposis and colorectal cancer syndrome. Last evaluated: 2026-01-28. Review status: criteria provided, single submitter. Criteria: Invitae Variant Classification Sherloc (09022015). Collection method: clinical testing. Allele origin: germline.

Center for Genomic Medicine, Rigshospitalet, Copenhagen University Hospital
Classification: Likely benign. Last evaluated: 2025-03-04. Review status: criteria provided, single submitter. Criteria: ACMG Guidelines, 2015. Collection method: clinical testing. Allele origin: germline.

Myriad Genetics, Inc.
Classification: Benign for POLD1-related polyposis and colorectal cancer syndrome. Last evaluated: 2025-02-06. Review status: criteria provided, single submitter. Criteria: Myriad Autosomal Dominant, Autosomal Recessive and X-Linked Classification Criteria (2023). Collection method: clinical testing. Allele origin: unknown.
Comment: This variant is considered benign. This variant is a silent/synonymous amino acid change and it is not expected to impact splicing.

Ambry Genetics
Classification: Likely benign for Hereditary cancer-predisposing syndrome. Last evaluated: 2016-04-26. Review status: criteria provided, single submitter. Criteria: Ambry Variant Classification Scheme 2023. Collection method: clinical testing. Allele origin: germline.